The following is an entry in ClinVar:

ClinVar aggregate classification (germline): Benign/Likely benign. Review status: criteria provided, multiple submitters, no conflicts (2 of 4 stars). 5 submissions from 5 submitters: Benign (1); Likely benign (3). 1 of the submissions does not count toward it. Last evaluated 2025-01-10.

Conditions:
Familial cancer of breast. Also called: Hereditary breast cancer; hereditary breast carcinoma; BREAST CANCER, FAMILIAL. Identifiers: Orphanet 227535, MedGen C0346153, MONDO:0016419, OMIM 114480. Disease mechanism: loss of function.
Hereditary cancer-predisposing syndrome. Also called: Hereditary neoplastic syndrome; Tumor predisposition; Hereditary Cancer Syndrome; Neoplastic Syndromes, Hereditary. Identifiers: Orphanet 140162, MedGen C0027672, MeSH D009386, MONDO:0015356.

Submissions (5):

Myriad Genetics, Inc.
Classification: Benign for Familial cancer of breast. Last evaluated: 2025-01-10. Review status: criteria provided, single submitter. Criteria: Myriad Autosomal Dominant, Autosomal Recessive and X-Linked Classification Criteria (2023). Collection method: clinical testing. Allele origin: unknown.
Comment: This variant is considered benign. This variant is a silent/synonymous amino acid change and it is not expected to impact splicing.

Labcorp Genetics (formerly Invitae), Labcorp
Classification: Likely benign for Familial cancer of breast. Last evaluated: 2022-08-19. Review status: criteria provided, single submitter. Criteria: Invitae Variant Classification Sherloc (09022015). Collection method: clinical testing. Allele origin: germline.

Ambry Genetics
Classification: Likely benign for Hereditary cancer-predisposing syndrome. Last evaluated: 2021-09-20. Review status: criteria provided, single submitter. Criteria: Ambry Variant Classification Scheme 2023. Collection method: clinical testing. Allele origin: germline.

Color Diagnostics, LLC DBA Color Health
Classification: Likely benign for Hereditary cancer-predisposing syndrome. Last evaluated: 2017-03-08. Review status: criteria provided, single submitter. Criteria: ACMG Guidelines, 2015. Collection method: clinical testing. Allele origin: germline.

Leiden Open Variation Database
Classification: Uncertain significance. Last evaluated: 2018-08-25. Review status: no assertion criteria provided. Collection method: curation. Allele origin: germline. Affected: yes. Not counted in ClinVar's aggregate classification.
Comment: Curators: Marc Tischkowitz, Arleen D. Auerbach. Submitter to LOVD: Yukihide Momozawa.

Literature cited by the submitters: PubMed 30287823 (cited by Leiden Open Variation Database).

NM_024675.4(PALB2):c.363A>G (p.Thr121=)

Gene: PALB2 (partner and localizer of BRCA2; minus strand). Cytogenetic location: 16p12.2.
Variant type: single nucleotide variant.
Coding change: c.363A>G on transcript NM_024675.4 (MANE Select); coding-DNA position 363, A replaced by G.
Protein change: p.Thr121=; no amino-acid change (threonine 121 retained).
Molecular consequence: synonymous variant.
Genome position (GRCh38, 1-based): chr16:23,636,183, T>C on the plus strand (A>G on the coding strand, the complement: PALB2 is on the minus strand). VCF-style: chr16-23636183-T-C. GRCh37 (hg19) VCF-style: chr16-23647504-T-C.
Identifiers: ClinVar variation 492221 (VCV000492221.19), dbSNP rs1555461816, ClinGen allele CA494462254.